The following is an entry in ClinVar:

ClinVar aggregate classification (germline): Benign/Likely benign. Review status: criteria provided, multiple submitters, no conflicts (2 of 4 stars). 5 submissions from 5 submitters: Benign (1); Likely benign (4). Last evaluated 2026-08-05.

Conditions:
Hereditary pheochromocytoma and paraganglioma. Also called: Hereditary paragangliomas and pheochromocytomas; Hereditary Paraganglioma-Pheochromocytoma Syndromes; Hereditary pheochromocytoma-paraganglioma. Identifiers: Orphanet 29072, MedGen C4274332, MONDO:0017366.
Hereditary cancer-predisposing syndrome. Also called: Tumor predisposition; Neoplastic Syndromes, Hereditary; Hereditary Cancer Syndrome; Hereditary neoplastic syndrome. Identifiers: Orphanet 140162, MedGen C0027672, MeSH D009386, MONDO:0015356.
Pheochromocytoma/paraganglioma syndrome 2. Also called: SDHAF2-Related Hereditary Paraganglioma-Pheochromocytoma Syndrome (Paragangliomas 2); Paragangliomas 2; SDHAF2-Related Hereditary Paraganglioma-Pheochromocytoma Syndrome; GLOMUS TUMORS, FAMILIAL, 2. Identifiers: Orphanet 29072, MedGen C1866552, MONDO:0011121, OMIM 601650.

Allele frequency attached by ClinVar (database versions not stated): gnomAD exomes below 0.00001; ExAC 0.00001.
gnomAD v4.1: 4 of 1,614,194 alleles (0.00025%); highest among the groups gnomAD compares: South Asian, 0.0033%; no homozygotes.

Submissions (5):

Myriad Genetics, Inc.
Classification: Benign for Pheochromocytoma/paraganglioma syndrome 2. Last evaluated: 2026-08-05. Review status: criteria provided, single submitter. Criteria: Myriad Autosomal Dominant, Autosomal Recessive and X-Linked Classification Criteria (2023). Collection method: clinical testing. Allele origin: unknown.
Comment: This variant is considered benign. This variant is a silent/synonymous amino acid change and it is not expected to impact splicing.

Labcorp Genetics (formerly Invitae), Labcorp
Classification: Likely benign for Hereditary pheochromocytoma and paraganglioma. Last evaluated: 2025-06-22. Review status: criteria provided, single submitter. Criteria: Invitae Variant Classification Sherloc (09022015). Collection method: clinical testing. Allele origin: germline.

All of Us Research Program, National Institutes of Health
Classification: Likely benign for Hereditary pheochromocytoma and paraganglioma. Last evaluated: 2023-11-30. Review status: criteria provided, single submitter. Criteria: ACMG Guidelines, 2015. Collection method: clinical testing. Allele origin: germline. Inheritance: Autosomal dominant inheritance. Observed: 3 variant alleles, 3 heterozygotes.
Comment: This study involves interpretation of variants in research participants for the purpose of population health screening. Participant phenotype was not available at the time of variant classification. Additional details can be found in publication PMID: 35346344, PMCID: PMC8962531

Sema4
Classification: Likely benign for Hereditary cancer-predisposing syndrome. Last evaluated: 2021-07-16. Review status: criteria provided, single submitter. Criteria: Sema4 Curation Guidelines. Collection method: curation. Allele origin: germline.

Ambry Genetics
Classification: Likely benign for Hereditary cancer-predisposing syndrome. Last evaluated: 2017-06-01. Review status: criteria provided, single submitter. Criteria: Ambry Variant Classification Scheme 2023. Collection method: clinical testing. Allele origin: germline.

NM_017841.4(SDHAF2):c.153T>G (p.Pro51=)

Gene: SDHAF2 (succinate dehydrogenase complex assembly factor 2; plus strand). Cytogenetic location: 11q12.2.
Variant type: single nucleotide variant.
Coding change: c.153T>G on transcript NM_017841.4 (MANE Select); coding-DNA position 153, T replaced by G.
Protein change: p.Pro51=; no amino-acid change (proline 51 retained).
Molecular consequence: synonymous variant.
Genome position (GRCh38, 1-based): chr11:61,437,741, T>G. VCF-style: chr11-61437741-T-G. GRCh37 (hg19) VCF-style: chr11-61205213-T-G.
Identifiers: ClinVar variation 486414 (VCV000486414.19), dbSNP rs769950627, ClinGen allele CA057839.